The following is an entry in ClinVar:

ClinVar aggregate classification (germline): Likely benign (1 of 4 stars; one submission).

Allele frequency attached by ClinVar (database versions not stated): gnomAD 0.00007; ExAC 0.00249; 1000 Genomes Project 0.00938.

Submission:

CeGaT Center for Human Genetics Tuebingen
Classification: Likely benign. Last evaluated: 2022-10-01. Review status: criteria provided, single submitter. Criteria: CeGaT Center For Human Genetics Tuebingen Variant Classification Criteria Version 2. Collection method: clinical testing. Allele origin: germline. Affected: yes. Observed: 1 variant allele.
Comment: CFAP46: BP4

NM_001200049.3(CFAP46):c.4125G>T (p.Lys1375Asn)

Gene: CFAP46 (cilia and flagella associated protein 46; minus strand). Cytogenetic location: 10q26.3.
Variant type: single nucleotide variant.
Coding change: c.4125G>T on transcript NM_001200049.3 (MANE Select); coding-DNA position 4125, G replaced by T.
Protein change: p.Lys1375Asn; replaces lysine 1375 with asparagine.
Molecular consequence: missense variant.
Genome position (GRCh38, 1-based): chr10:132,877,968, C>A on the plus strand (G>T on the coding strand, the complement: CFAP46 is on the minus strand). VCF-style: chr10-132877968-C-A. GRCh37 (hg19) VCF-style: chr10-134691472-C-A.
Other names: short protein forms K1375N.
Identifiers: ClinVar variation 2640986 (VCV002640986.24), dbSNP rs181912601, ClinGen allele CA5757520.